The following is an entry in ClinVar:

NM_032119.4(ADGRV1):c.4887_4888insATTTGCTAAT (p.Ala1630delinsIleCysTer)

Gene: ADGRV1 (adhesion G protein-coupled receptor V1; plus strand). Cytogenetic location: 5q14.3.
Variant type: Insertion.
Coding change: c.4887_4888insATTTGCTAAT on transcript NM_032119.4 (MANE Select); coding-DNA positions 4887 to 4888, ATTTGCTAAT inserted.
Protein change: p.Ala1630delinsIleCysTer.
Molecular consequence: nonsense. On other transcripts: non-coding transcript variant (1).
Genome position: GRCh38 VCF-style: chr5-90672671-C-CTTTGCTAATA. GRCh37 (hg19) VCF-style: chr5-89968488-C-CTTTGCTAATA.
Identifiers: ClinVar variation 4072424 (VCV004072424.5).

ClinVar aggregate classification (germline): Pathogenic/Likely pathogenic. Review status: criteria provided, single submitter (1 of 4 stars). 2 submissions from 1 submitter: Pathogenic (1); Likely pathogenic (1).

Conditions:
Usher syndrome type 2C. Also called: Usher syndrome, type 2B; USHER SYNDROME, TYPE IIC. Identifiers: Orphanet 231178, Orphanet 886, MedGen C2931213, MONDO:0011558, OMIM 605472.
Febrile seizures, familial, 4 (FEB4). Also called: CONVULSIONS, FAMILIAL FEBRILE, 4. Identifiers: MedGen C1858493, MONDO:0011443, OMIM 604352.

Submissions (2):

Juno Genomics, Hangzhou Juno Genomics, Inc
Classification: Likely pathogenic for Usher syndrome type 2C; Febrile seizures, familial, 4. Review status: criteria provided, single submitter. Criteria: ACMG Guidelines, 2015. Collection method: clinical testing. Allele origin: germline. Affected: yes.
Comment: Absent from controls (or at extremely low frequency if recessive) in Genome Aggregation Database, Exome Sequencing Project, 1000 Genomes Project, or Exome Aggregation Consortium.;Null variant in a gene where loss of function (LOF) is a known mechanism of disease.

Juno Genomics, Hangzhou Juno Genomics, Inc
Classification: Pathogenic for Usher syndrome type 2C. Review status: criteria provided, single submitter. Criteria: ACMG Guidelines, 2015. Collection method: clinical testing. Allele origin: germline.
Comment: Absent from controls (or at extremely low frequency if recessive) in Genome Aggregation Database.;Null variant in a gene where loss of function (LOF) is a known mechanism of disease.;For recessive disorders, detected in trans with a pathogenic variant.